The following is an entry in ClinVar:

NM_000834.5(GRIN2B):c.2094C>G (p.Asn698Lys)

Gene: GRIN2B (glutamate ionotropic receptor NMDA type subunit 2B; minus strand). Cytogenetic location: 12p13.1.
Variant type: single nucleotide variant.
Coding change: c.2094C>G on transcript NM_000834.5 (MANE Select); coding-DNA position 2094, C replaced by G.
Protein change: p.Asn698Lys; replaces asparagine 698 with lysine.
Molecular consequence: missense variant.
Genome position (GRCh38, 1-based): chr12:13,571,881, G>C on the plus strand (C>G on the coding strand, the complement: GRIN2B is on the minus strand). VCF-style: chr12-13571881-G-C. GRCh37 (hg19) VCF-style: chr12-13724815-G-C.
Other names: c.2094C>G, p.Asn698Lys (NM_001413992.1); short protein forms N698K.
Identifiers: ClinVar variation 2230245 (VCV002230245.2), dbSNP rs2497485743, ClinGen allele CA383999317.
Genomic context (GRCh38, chr12:13,571,881, plus strand): 5'-CAATGCATCATCTACACCCCTCTGGTTGAACTTTCCCATGTAGGCATGCATTTCTGCATA[G>C]TTATTGCGAATATTTCTCTCTGTGCTGCCGTTGGGCACGGTCCCAAAGCGGAAAGGGGGT-3'
Protein context (NP_000825.2, residues 688-708): NGSTERNIRN[Asn698Lys]YAEMHAYMGK

ClinVar aggregate classification (germline): Uncertain significance (1 of 4 stars; one submission).

Conditions:
Inborn genetic diseases. Identifiers: MedGen C0950123, MeSH D030342.

Submission:

Ambry Genetics
Classification: Uncertain significance for Inborn genetic diseases. Last evaluated: 2021-04-19. Review status: criteria provided, single submitter. Criteria: Ambry Variant Classification Scheme 2023. Collection method: clinical testing. Allele origin: germline.
Comment: The c.2094C>G (p.N698K) alteration is located in exon 10 (coding exon 9) of the GRIN2B gene. This alteration results from a C to G substitution at nucleotide position 2094, causing the asparagine (N) at amino acid position 698 to be replaced by a lysine (K). Based on data from the Genome Aggregation Database (gnomAD), the GRIN2B c.2094C>G alteration was not observed, with coverage at this position. This amino acid position is highly conserved in available vertebrate species. This missense alteration is located in a region that has a low rate of benign missense variation (Lek, 2016; Firth, 2009). The p.N698K alteration is predicted to be tolerated by in silico analysis. Based on insufficient or conflicting evidence, the clinical significance of this alteration remains unclear.